The following is an entry in ClinVar:

ClinVar aggregate classification (germline): Uncertain significance. Review status: criteria provided, multiple submitters, no conflicts (2 of 4 stars). 5 submissions from 4 submitters: Uncertain significance (5). Last evaluated 2023-06-02.

Conditions:
Inborn genetic diseases. Identifiers: MedGen C0950123, MeSH D030342.
Ectopia lentis et pupillae. Also called: ECTOPIA LENTIS WITH ECTOPIA OF PUPIL. Identifiers: Orphanet 1885, MedGen C1644196, MONDO:0009153, OMIM 225200.
Ectopia lentis 2, isolated, autosomal recessive (ECTOL2). Identifiers: Orphanet 1885, MedGen C3541474, MONDO:0009152, OMIM 225100.

Allele frequency attached by ClinVar (database versions not stated): gnomAD 0.00001; gnomAD exomes 0.00002 and 0.00003; TOPMed 0.00002; ExAC 0.00003.

Submissions (5):

Ambry Genetics
Classification: Uncertain significance for Inborn genetic diseases. Last evaluated: 2023-06-02. Review status: criteria provided, single submitter. Criteria: Ambry Variant Classification Scheme 2023. Collection method: clinical testing. Allele origin: germline.

Genome-Nilou Lab
Classification: Uncertain significance for Ectopia lentis et pupillae. Last evaluated: 2023-04-11. Review status: criteria provided, single submitter. Criteria: ACMG Guidelines, 2015. Collection method: clinical testing. Allele origin: germline. Affected: no.

Genome-Nilou Lab
Classification: Uncertain significance for Ectopia lentis 2, isolated, autosomal recessive. Last evaluated: 2023-04-11. Review status: criteria provided, single submitter. Criteria: ACMG Guidelines, 2015. Collection method: clinical testing. Allele origin: germline. Affected: no.

Labcorp Genetics (formerly Invitae), Labcorp
Classification: Uncertain significance. Last evaluated: 2022-07-05. Review status: criteria provided, single submitter. Criteria: Invitae Variant Classification Sherloc (09022015). Collection method: clinical testing. Allele origin: germline.
Comment: This sequence change replaces valine, which is neutral and non-polar, with methionine, which is neutral and non-polar, at codon 646 of the ADAMTSL4 protein (p.Val646Met). This variant is present in population databases (rs765795619, gnomAD 0.004%). This variant has not been reported in the literature in individuals affected with ADAMTSL4-related conditions. ClinVar contains an entry for this variant (Variation ID: 634507). Algorithms developed to predict the effect of missense changes on protein structure and function are either unavailable or do not agree on the potential impact of this missense change (SIFT: "Deleterious"; PolyPhen-2: "Possibly Damaging"; Align-GVGD: "Class C15"). In summary, the available evidence is currently insufficient to determine the role of this variant in disease. Therefore, it has been classified as a Variant of Uncertain Significance.

Genomic Research Center, Shahid Beheshti University of Medical Sciences
Classification: Uncertain significance for Ectopia Lentis, Isolated, Autosomal Recessive. Last evaluated: 2019-01-01. Review status: criteria provided, single submitter. Criteria: ACMG Guidelines, 2015. Collection method: clinical testing. Allele origin: unknown. Affected: no. Observed: 1 variant allele.

NM_019032.6(ADAMTSL4):c.1936G>A (p.Val646Met)

Genes: ADAMTSL4 (ADAMTS like 4; plus strand), ADAMTSL4-AS2 (ADAMTSL4 antisense RNA 2; minus strand). Cytogenetic location: 1q21.2.
Variant type: single nucleotide variant.
Coding change: c.1936G>A on transcript NM_019032.6 (MANE Select); coding-DNA position 1936, G replaced by A.
Protein change: p.Val646Met; replaces valine 646 with methionine.
Molecular consequence: missense variant. On other transcripts: intron variant (1).
Genome position (GRCh38, 1-based): chr1:150,557,224, G>A. VCF-style: chr1-150557224-G-A. GRCh37 (hg19) VCF-style: chr1-150529700-G-A.
Other names: c.2005G>A, p.Val669Met (NM_001288608.2); c.1936G>A, p.Val646Met (NM_001378596.1, NM_025008.5); c.1857-38G>A (NM_001288607.2); c.1936G>A (NM_019032.4); short protein forms V646M, V669M.
Identifiers: ClinVar variation 634507 (VCV000634507.9), dbSNP rs765795619, ClinGen allele CA1078460.